The following is an entry in ClinVar:

NM_016216.4(DBR1):c.*36T>C

Gene: DBR1 (debranching RNA lariats 1; minus strand). Cytogenetic location: 3q22.3.
Variant type: single nucleotide variant.
Coding change: c.*36T>C on transcript NM_016216.4 (MANE Select); 36 bases downstream of the stop codon, T replaced by C.
Molecular consequence: 3 prime UTR variant.
Genome position (GRCh38, 1-based): chr3:138,161,853, A>G on the plus strand (T>C on the coding strand, the complement: DBR1 is on the minus strand). VCF-style: chr3-138161853-A-G. GRCh37 (hg19) VCF-style: chr3-137880695-A-G.
Identifiers: ClinVar variation 2687947 (VCV002687947.2), dbSNP rs9851548, ClinGen allele CA2635628.

ClinVar aggregate classification (germline): Benign (1 of 4 stars; one submission).

Allele frequency attached by ClinVar (database versions not stated): 1000 Genomes Project 30x 0.57979; ESP Exome Variant Server 0.58297; 1000 Genomes Project 0.58327; TOPMed 0.62005; gnomAD 0.62459; ExAC 0.64943; gnomAD exomes 0.67921.
gnomAD v4.1: 1,045,306 of 1,552,550 alleles (67%); highest among the groups gnomAD compares: Non-Finnish European, 70%; 354,892 homozygotes.

Submission:

Unidad de Genómica Garrahan, Hospital de Pediatría Garrahan
Classification: Benign. Last evaluated: 2024-01-24. Review status: criteria provided, single submitter. Criteria: ACMG Guidelines, 2015. Collection method: clinical testing. Allele origin: germline. Affected: no. Observed: 85 variant alleles.
Comment: This variant is classified as Benign based on local population frequency. This variant was detected in 89% of patients studied by a panel of primary immunodeficiencies. Number of patients: 85. Only high quality variants are reported.